The following is an entry in ClinVar:

ClinVar aggregate classification (germline): Uncertain significance (1 of 4 stars; one submission).

Submission:

Labcorp Genetics (formerly Invitae), Labcorp
Classification: Uncertain significance. Last evaluated: 2022-11-08. Review status: criteria provided, single submitter. Criteria: Invitae Variant Classification Sherloc (09022015). Collection method: clinical testing. Allele origin: germline.
Comment: In summary, the available evidence is currently insufficient to determine the role of this variant in disease. Therefore, it has been classified as a Variant of Uncertain Significance. Advanced modeling of protein sequence and biophysical properties (such as structural, functional, and spatial information, amino acid conservation, physicochemical variation, residue mobility, and thermodynamic stability) performed at Invitae indicates that this missense variant is not expected to disrupt MYO7A protein function. ClinVar contains an entry for this variant (Variation ID: 1464675). This variant has not been reported in the literature in individuals affected with MYO7A-related conditions. This variant is not present in population databases (gnomAD no frequency). This sequence change replaces glutamic acid, which is acidic and polar, with aspartic acid, which is acidic and polar, at codon 979 of the MYO7A protein (p.Glu979Asp).

NM_000260.4(MYO7A):c.2937G>C (p.Glu979Asp)

Gene: MYO7A (myosin VIIA; plus strand). Cytogenetic location: 11q13.5.
Variant type: single nucleotide variant.
Coding change: c.2937G>C on transcript NM_000260.4 (MANE Select); coding-DNA position 2937, G replaced by C.
Protein change: p.Glu979Asp; replaces glutamic acid 979 with aspartic acid.
Molecular consequence: missense variant.
Genome position (GRCh38, 1-based): chr11:77,181,983, G>C. VCF-style: chr11-77181983-G-C. GRCh37 (hg19) VCF-style: chr11-76893029-G-C.
Other names: c.2937G>C, p.Glu979Asp (NM_001127180.2); c.2904G>C, p.Glu968Asp (NM_001369365.1); short protein forms E968D, E979D.
Identifiers: ClinVar variation 1464675 (VCV001464675.6), dbSNP rs1555084819, ClinGen allele CA381943824.